The following is an entry in ClinVar:

ClinVar aggregate classification (germline): Uncertain significance (1 of 4 stars; one submission).

Submission:

Ambry Genetics
Classification: Uncertain significance. Last evaluated: 2026-04-09. Review status: criteria provided, single submitter. Criteria: Ambry Variant Classification Scheme 2023. Collection method: clinical testing. Allele origin: germline.
Comment: The p.E119A variant (also known as c.356A>C), located in coding exon 4 of the PKP4 gene, results from an A to C substitution at nucleotide position 356. The glutamic acid at codon 119 is replaced by alanine, an amino acid with dissimilar properties. This amino acid position is conserved. In addition, the in silico prediction for this alteration is inconclusive. Based on the available evidence, the clinical significance of this variant remains unclear.

NM_003628.6(PKP4):c.356A>C (p.Glu119Ala)

Gene: PKP4 (plakophilin 4; plus strand). Cytogenetic location: 2q24.1.
Variant type: single nucleotide variant.
Coding change: c.356A>C on transcript NM_003628.6 (MANE Select); coding-DNA position 356, A replaced by C.
Protein change: p.Glu119Ala; replaces glutamic acid 119 with alanine.
Molecular consequence: missense variant. On other transcripts: 5 prime UTR variant (1).
Genome position (GRCh38, 1-based): chr2:158,621,065, A>C. VCF-style: chr2-158621065-A-C. GRCh37 (hg19) VCF-style: chr2-159477577-A-C.
Other names: c.356A>C, p.Glu119Ala (NM_001005476.4, NM_001304969.3, NM_001304971.2 and 9 more transcripts); c.-594A>C (NM_001304970.3); short protein forms E119A.
Identifiers: ClinVar variation 4862013 (VCV004862013.1).